The following is an entry in ClinVar:

ClinVar aggregate classification (germline): Uncertain significance. Review status: criteria provided, multiple submitters, no conflicts (2 of 4 stars). 2 submissions from 2 submitters: Uncertain significance (2). Last evaluated 2024-07-02.

Conditions:
Immunodeficiency 39 (IMD39). Identifiers: Orphanet 574918, MedGen C4225358, MONDO:0014597, OMIM 616345.

Allele frequency attached by ClinVar (database versions not stated): TOPMed 0.00006; gnomAD 0.00008 and 0.00006; 1000 Genomes Project 0.00040.

Submissions (2):

Ambry Genetics
Classification: Uncertain significance. Last evaluated: 2024-07-02. Review status: criteria provided, single submitter. Criteria: Ambry Variant Classification Scheme 2023. Collection method: clinical testing. Allele origin: germline.

Labcorp Genetics (formerly Invitae), Labcorp
Classification: Uncertain significance for Immunodeficiency 39. Last evaluated: 2024-02-24. Review status: criteria provided, single submitter. Criteria: Invitae Variant Classification Sherloc (09022015). Collection method: clinical testing. Allele origin: germline.
Comment: This sequence change replaces proline, which is neutral and non-polar, with serine, which is neutral and polar, at codon 241 of the IRF7 protein (p.Pro241Ser). This variant is present in population databases (rs553220620, gnomAD 0.1%), and has an allele count higher than expected for a pathogenic variant. This variant has not been reported in the literature in individuals affected with IRF7-related conditions. ClinVar contains an entry for this variant (Variation ID: 1364750). Algorithms developed to predict the effect of missense changes on protein structure and function output the following: SIFT: "Not Available"; PolyPhen-2: "Benign"; Align-GVGD: "Not Available". The serine amino acid residue is found in multiple mammalian species, which suggests that this missense change does not adversely affect protein function. In summary, the available evidence is currently insufficient to determine the role of this variant in disease. Therefore, it has been classified as a Variant of Uncertain Significance.

NM_001572.5(IRF7):c.682C>T (p.Pro228Ser)

Gene: IRF7 (interferon regulatory factor 7; minus strand). Cytogenetic location: 11p15.5.
Variant type: single nucleotide variant.
Coding change: c.682C>T on transcript NM_001572.5 (MANE Select); coding-DNA position 682, C replaced by T.
Protein change: p.Pro228Ser; replaces proline 228 with serine.
Molecular consequence: missense variant. On other transcripts: intron variant (1).
Genome position (GRCh38, 1-based): chr11:614,035, G>A on the plus strand (C>T on the coding strand, the complement: IRF7 is on the minus strand). VCF-style: chr11-614035-G-A. GRCh37 (hg19) VCF-style: chr11-614035-G-A.
Other names: c.721C>T (NM_004031.2); c.721C>T, p.Pro241Ser (NM_004031.4); c.679+139C>T (NM_004029.4); short protein forms P241S, P228S.
Identifiers: ClinVar variation 1364750 (VCV001364750.6), dbSNP rs553220620, ClinGen allele CA5783821.